The following is an entry in ClinVar:

ClinVar aggregate classification (germline): Uncertain significance (1 of 4 stars; one submission).

Conditions:
Visceral myopathy 1 (VSCM1). Also called: Visceral myopathy; Infantile visceral myopathy; ACTG2 Visceral Myopathy. Identifiers: Orphanet 2604, MedGen C5542197, MONDO:0020754, OMIM 155310.

Submission:

Department of Pediatrics, Division of Medical Genetics, Faculty of Medicine Ramathibodi Hospital, Mahidol University
Classification: Uncertain significance for Visceral myopathy 1. Last evaluated: 2025-10-19. Review status: criteria provided, single submitter. Criteria: ACMG Guidelines, 2015. Collection method: research. Allele origin: germline. Inheritance: Autosomal dominant inheritance. Affected: yes. Observed: 1 variant allele, 1 heterozygote.
Comment: The c.446C>A (p.Thr149Lys) alteration is located in exon 5 of the ACTG2 gene. This alteration results from a C to A substitution at nucleotide position 446, causing the Threonine at amino acid position 149 to be replaced by a lysine. Based on insufficient or conflicting evidence, the clinical significance of this alteration remains unclear.

NM_001615.4(ACTG2):c.446C>A (p.Thr149Lys)

Gene: ACTG2 (actin gamma 2, smooth muscle; plus strand). Cytogenetic location: 2p13.1.
Variant type: single nucleotide variant.
Coding change: c.446C>A on transcript NM_001615.4 (MANE Select); coding-DNA position 446, C replaced by A.
Protein change: p.Thr149Lys; replaces threonine 149 with lysine.
Molecular consequence: missense variant.
Genome position (GRCh38, 1-based): chr2:73,909,134, C>A. VCF-style: chr2-73909134-C-A. GRCh37 (hg19) VCF-style: chr2-74136261-C-A.
Other names: c.317C>A, p.Thr106Lys (NM_001199893.2); short protein forms T106K, T149K.
Identifiers: ClinVar variation 4280730 (VCV004280730.1).